The following is an entry in ClinVar:

NM_018100.4(EFHC1):c.21T>G (p.His7Gln)

Gene: EFHC1 (EF-hand domain containing 1; plus strand). Cytogenetic location: 6p12.2.
Variant type: single nucleotide variant.
Coding change: c.21T>G on transcript NM_018100.4 (MANE Select); coding-DNA position 21, T replaced by G.
Protein change: p.His7Gln; replaces histidine 7 with glutamine.
Molecular consequence: missense variant. On other transcripts: non-coding transcript variant (1).
Genome position (GRCh38, 1-based): chr6:52,420,431, T>G. VCF-style: chr6-52420431-T-G. GRCh37 (hg19) VCF-style: chr6-52285229-T-G.
Other names: short protein forms H7Q.
Identifiers: ClinVar variation 648818 (VCV000648818.10), dbSNP rs775530837, ClinGen allele CA364456244.

ClinVar aggregate classification (germline): Uncertain significance (1 of 4 stars; one submission).

Conditions:
Myoclonic epilepsy, juvenile, susceptibility to, 1. Also called: Myoclonic Epilepsy, Juvenile, 1; EJM1. Identifiers: MedGen C1850778, MONDO:0020752, OMIM 254770.
Absence seizure. Also called: Absence epilepsy. Identifiers: Orphanet 1941, MedGen C0014553.

Submission:

Labcorp Genetics (formerly Invitae), Labcorp
Classification: Uncertain significance for Myoclonic epilepsy, juvenile, susceptibility to, 1; Absence seizure. Last evaluated: 2022-02-10. Review status: criteria provided, single submitter. Criteria: Invitae Variant Classification Sherloc (09022015). Collection method: clinical testing. Allele origin: germline.
Comment: In summary, the available evidence is currently insufficient to determine the role of this variant in disease. Therefore, it has been classified as a Variant of Uncertain Significance. Algorithms developed to predict the effect of sequence changes on RNA splicing suggest that this variant may create or strengthen a splice site. Algorithms developed to predict the effect of missense changes on protein structure and function (SIFT, PolyPhen-2, Align-GVGD) all suggest that this variant is likely to be tolerated. ClinVar contains an entry for this variant (Variation ID: 648818). This variant has not been reported in the literature in individuals affected with EFHC1-related conditions. This variant is not present in population databases (gnomAD no frequency). This sequence change replaces histidine, which is basic and polar, with glutamine, which is neutral and polar, at codon 7 of the EFHC1 protein (p.His7Gln).